The following is an entry in ClinVar:

ClinVar aggregate classification (germline): Likely pathogenic (1 of 4 stars; one submission).

Conditions:
Arthrogryposis multiplex congenita 6. Identifiers: MedGen C5543431, MONDO:0030281, OMIM 619334.
Nemaline myopathy 2 (NEM2). Also called: Nemaline myopathy 2, autosomal recessive. Identifiers: MedGen C1850569, MONDO:0009725, OMIM 256030.

Submission:

Juno Genomics, Hangzhou Juno Genomics, Inc
Classification: Likely pathogenic for Arthrogryposis multiplex congenita 6; Nemaline myopathy 2. Review status: criteria provided, single submitter. Criteria: ACMG Guidelines, 2015. Collection method: clinical testing. Allele origin: germline.
Comment: Null variant in a gene where loss of function (LOF) is a known mechanism of disease.;Absent from controls (or at extremely low frequency if recessive) in Genome Aggregation Database.

NM_001164508.2(NEB):c.381dup (p.Val128fs)

Gene: NEB (nebulin; minus strand). Cytogenetic location: 2q23.3.
Variant type: Duplication.
Coding change: c.381dup on transcript NM_001164508.2 (MANE Select); coding-DNA position 381, one base duplicated (A; older notation c.381dupA).
Protein change: p.Val128fs; shifts the reading frame from valine 128.
Molecular consequence: frameshift variant.
Genome position (GRCh38, 1-based): chr2:151,725,474, T duplicated on the plus strand (A on the coding strand, the reverse complement: NEB is on the minus strand); the first of 6 consecutive T bases (chr2:151,725,474-151,725,479); duplicating any one gives the same sequence. VCF-style (leftmost placement, unchanged base first): chr2-151725473-C-CT. GRCh37 (hg19) VCF-style: chr2-152581987-C-CT.
Other names: c.381dup, p.Val128fs (NM_001164507.2, NM_001271208.2, NM_004543.5); short protein forms V128fs.
Identifiers: ClinVar variation 5006100 (VCV005006100.2).
Genomic context (GRCh38, chr2:151,725,473, plus strand): 5'-TTGAAATGTCCCTCTCCTTTATTTCAGCAATGCAGCCCACCTCACTGAGTTGATCTTGTA[C>CT]TTTTTTGATTCTGCGAAGTTCTGGAGTATCTGTTGTGCTGGCGTATGGCTGTCCTTTTGT-3'